The following is an entry in ClinVar:

ClinVar aggregate classification (germline): Uncertain significance (1 of 4 stars; one submission).

gnomAD v4.1: 3 of 1,613,550 alleles (0.00019%); highest among the groups gnomAD compares: Non-Finnish European, 0.00017%; no homozygotes.

Submission:

GeneDx
Classification: Uncertain significance. Last evaluated: 2023-06-10. Review status: criteria provided, single submitter. Criteria: GeneDx Variant Classification Process June 2021. Collection method: clinical testing. Allele origin: germline. Affected: yes.
Comment: Not observed at significant frequency in large population cohorts (gnomAD); In silico analysis supports that this missense variant does not alter protein structure/function; Has not been previously published as pathogenic or benign to our knowledge

NM_001371928.1(AHDC1):c.3554C>T (p.Ala1185Val)

Gene: AHDC1 (AT-hook DNA binding motif containing 1; minus strand). Cytogenetic location: 1p36.11.
Variant type: single nucleotide variant.
Coding change: c.3554C>T on transcript NM_001371928.1 (MANE Select); coding-DNA position 3554, C replaced by T.
Protein change: p.Ala1185Val; replaces alanine 1185 with valine.
Molecular consequence: missense variant.
Genome position (GRCh38, 1-based): chr1:27,548,562, G>A on the plus strand (C>T on the coding strand, the complement: AHDC1 is on the minus strand). VCF-style: chr1-27548562-G-A. GRCh37 (hg19) VCF-style: chr1-27875073-G-A.
Other names: c.3554C>T, p.Ala1185Val (NM_001029882.3); short protein forms A1185V.
Identifiers: ClinVar variation 3359600 (VCV003359600.1).